The following is an entry in ClinVar:

NM_001010874.5(TECRL):c.137dup (p.Arg47fs)

Gene: TECRL (trans-2,3-enoyl-CoA reductase like; minus strand). Cytogenetic location: 4q13.1.
Variant type: Duplication.
Coding change: c.137dup on transcript NM_001010874.5 (MANE Select); coding-DNA position 137, one base duplicated (T; older notation c.137dupT).
Protein change: p.Arg47fs; shifts the reading frame from arginine 47.
Molecular consequence: frameshift variant.
Genome position (GRCh38, 1-based): chr4:64,409,215, A duplicated on the plus strand (T on the coding strand, the reverse complement: TECRL is on the minus strand). VCF-style (leftmost placement, unchanged base first): chr4-64409214-T-TA. GRCh37 (hg19) VCF-style: chr4-65274932-T-TA.
Other names: c.137dup, p.Arg47fs (NM_001363796.1); short protein forms R47fs.
Identifiers: ClinVar variation 1771254 (VCV001771254.2), dbSNP rs767096918, ClinGen allele CA2935687.

ClinVar aggregate classification (germline): Pathogenic (1 of 4 stars; one submission).

Conditions:
Cardiovascular phenotype. Identifiers: MedGen CN230736.

Allele frequency attached by ClinVar (database versions not stated): ExAC 0.00001; gnomAD 0.00001; TOPMed 0.00001; ESP Exome Variant Server 0.00008.

Submission:

Ambry Genetics
Classification: Pathogenic for Cardiovascular phenotype. Last evaluated: 2022-02-04. Review status: criteria provided, single submitter. Criteria: Ambry Variant Classification Scheme 2023. Collection method: clinical testing. Allele origin: germline.
Comment: The c.137dupT pathogenic mutation, located in coding exon 1 of the TECRL gene, results from a duplication of T at nucleotide position 137, causing a translational frameshift with a predicted alternate stop codon (p.R47Kfs*15). This variant is considered to be rare based on population cohorts in the Genome Aggregation Database (gnomAD). This alteration is expected to result in loss of function by premature protein truncation or nonsense-mediated mRNA decay. As such, this alteration is interpreted as a disease-causing mutation.